The following is an entry in ClinVar:

NM_001364905.1(LRBA):c.3661G>A (p.Glu1221Lys)

Gene: LRBA (LPS responsive beige-like anchor protein; minus strand). Cytogenetic location: 4q31.3.
Variant type: single nucleotide variant.
Coding change: c.3661G>A on transcript NM_001364905.1 (MANE Select); coding-DNA position 3661, G replaced by A.
Protein change: p.Glu1221Lys; replaces glutamic acid 1221 with lysine.
Molecular consequence: missense variant.
Genome position (GRCh38, 1-based): chr4:150,852,049, C>T on the plus strand (G>A on the coding strand, the complement: LRBA is on the minus strand). VCF-style: chr4-150852049-C-T. GRCh37 (hg19) VCF-style: chr4-151773201-C-T.
Other names: c.3661G>A, p.Glu1221Lys (NM_001199282.3, NM_001367550.1, NM_001440430.1 and 2 more transcripts); short protein forms E1221K.
Identifiers: ClinVar variation 4744268 (VCV004744268.1).

ClinVar aggregate classification (germline): Uncertain significance (1 of 4 stars; one submission).

Conditions:
Combined immunodeficiency due to LRBA deficiency. Also called: Common variable immunodeficiency 8, with autoimmunity. Identifiers: Orphanet 445018, MedGen C3553512, MONDO:0013863, OMIM 614700.

gnomAD v4.1: 1 of 1,614,118 alleles (0.000062%); highest among the groups gnomAD compares: Non-Finnish European, 0.000085%; no homozygotes.

Submission:

Labcorp Genetics (formerly Invitae), Labcorp
Classification: Uncertain significance for Combined immunodeficiency due to LRBA deficiency. Last evaluated: 2025-10-22. Review status: criteria provided, single submitter. Criteria: Invitae Variant Classification Sherloc (09022015). Collection method: clinical testing. Allele origin: germline.
Comment: This sequence change replaces glutamic acid, which is acidic and polar, with lysine, which is basic and polar, at codon 1221 of the LRBA protein (p.Glu1221Lys). This variant is not present in population databases (gnomAD no frequency). This variant has not been reported in the literature in individuals affected with LRBA-related conditions. Invitae Evidence Modeling of protein sequence and biophysical properties (such as structural, functional, and spatial information, amino acid conservation, physicochemical variation, residue mobility, and thermodynamic stability) indicates that this missense variant is not expected to disrupt LRBA protein function with a negative predictive value of 80%. In summary, the available evidence is currently insufficient to determine the role of this variant in disease. Therefore, it has been classified as a Variant of Uncertain Significance.